The following is an entry in ClinVar:

NM_001379180.1(ESRRB):c.1111G>A (p.Ala371Thr)

Gene: ESRRB (estrogen related receptor beta; plus strand). Cytogenetic location: 14q24.3.
Variant type: single nucleotide variant.
Coding change: c.1111G>A on transcript NM_001379180.1 (MANE Select); coding-DNA position 1111, G replaced by A.
Protein change: p.Ala371Thr; replaces alanine 371 with threonine.
Molecular consequence: missense variant.
Genome position (GRCh38, 1-based): chr14:76,491,707, G>A. VCF-style: chr14-76491707-G-A. GRCh37 (hg19) VCF-style: chr14-76958050-G-A.
Other names: c.1048G>A, p.Ala350Thr (NM_004452.4); short protein forms A350T, A371T.
Identifiers: ClinVar variation 1515902 (VCV001515902.7), dbSNP rs748968069, ClinGen allele CA7281757.

ClinVar aggregate classification (germline): Uncertain significance. Review status: criteria provided, multiple submitters, no conflicts (2 of 4 stars). 2 submissions from 2 submitters: Uncertain significance (2). Last evaluated 2024-09-19.

Allele frequency attached by ClinVar (database versions not stated): gnomAD 0.00001; TOPMed 0.00002; gnomAD exomes 0.00003; ExAC 0.00005.
gnomAD v4.1: 47 of 1,579,408 alleles (0.003%); highest among the groups gnomAD compares: Middle Eastern, 0.063%; no homozygotes.

Submissions (2):

Blueprint Genetics
Classification: Uncertain significance. Last evaluated: 2024-09-19. Review status: criteria provided, single submitter. Criteria: ACMG Guidelines, 2015. Collection method: clinical testing. Allele origin: germline.

Labcorp Genetics (formerly Invitae), Labcorp
Classification: Uncertain significance. Last evaluated: 2021-11-08. Review status: criteria provided, single submitter. Criteria: Invitae Variant Classification Sherloc (09022015). Collection method: clinical testing. Allele origin: germline.
Comment: In summary, the available evidence is currently insufficient to determine the role of this variant in disease. Therefore, it has been classified as a Variant of Uncertain Significance. Algorithms developed to predict the effect of missense changes on protein structure and function are either unavailable or do not agree on the potential impact of this missense change (SIFT: "Tolerated"; PolyPhen-2: "Possibly Damaging"; Align-GVGD: "Class C0"). This variant has not been reported in the literature in individuals affected with ESRRB-related conditions. The frequency data for this variant in the population databases is considered unreliable, as metrics indicate poor data quality at this position in the gnomAD database. This sequence change replaces alanine, which is neutral and non-polar, with threonine, which is neutral and polar, at codon 350 of the ESRRB protein (p.Ala350Thr).